The following is an entry in ClinVar:

NM_001972.4(ELANE):c.239T>C (p.Val80Ala)

Gene: ELANE (elastase, neutrophil expressed; plus strand). Cytogenetic location: 19p13.3.
Variant type: single nucleotide variant.
Coding change: c.239T>C on transcript NM_001972.4 (MANE Select); coding-DNA position 239, T replaced by C.
Protein change: p.Val80Ala; replaces valine 80 with alanine.
Molecular consequence: missense variant.
Genome position (GRCh38, 1-based): chr19:853,276, T>C. VCF-style: chr19-853276-T-C. GRCh37 (hg19) VCF-style: chr19-853276-T-C.
Other names: short protein forms V80A.
Identifiers: ClinVar variation 1442303 (VCV001442303.8), dbSNP rs2145144975, ClinGen allele CA402915153.

ClinVar aggregate classification (germline): Uncertain significance (1 of 4 stars; one submission).

Conditions:
Neutropenia, severe congenital, 1, autosomal dominant. Identifiers: MedGen C1859966, MONDO:0042490, OMIM 202700.
Cyclical neutropenia. Also called: Cyclic Neutropenia; Cyclic hematopoiesis. Identifiers: Orphanet 2686, MedGen C0221023, MONDO:0008090, OMIM 162800, HP:0040289. Disease mechanism: loss of function.

Submission:

Labcorp Genetics (formerly Invitae), Labcorp
Classification: Uncertain significance for Neutropenia, severe congenital, 1, autosomal dominant; Cyclical neutropenia. Last evaluated: 2022-02-06. Review status: criteria provided, single submitter. Criteria: Invitae Variant Classification Sherloc (09022015). Collection method: clinical testing. Allele origin: germline.
Comment: This variant is not present in population databases (gnomAD no frequency). In summary, the available evidence is currently insufficient to determine the role of this variant in disease. Therefore, it has been classified as a Variant of Uncertain Significance. Algorithms developed to predict the effect of missense changes on protein structure and function output the following: SIFT: "Deleterious"; PolyPhen-2: "Benign"; Align-GVGD: "Class C25". The alanine amino acid residue is found in multiple mammalian species, which suggests that this missense change does not adversely affect protein function. This variant has not been reported in the literature in individuals affected with ELANE-related conditions. This sequence change replaces valine, which is neutral and non-polar, with alanine, which is neutral and non-polar, at codon 80 of the ELANE protein (p.Val80Ala).